The following is an entry in ClinVar:

ClinVar aggregate classification (germline): Uncertain significance (1 of 4 stars; one submission).

Conditions:
Bethlem myopathy 1A. Also called: Bethlem myopathy 1; MYOPATHY, BENIGN CONGENITAL, WITH CONTRACTURES; Bethlem Muscular Dystrophy. Identifiers: Orphanet 610, MedGen CN029274, MONDO:0024530, OMIM 158810.

Allele frequency attached by ClinVar (database versions not stated): gnomAD exomes below 0.00001; gnomAD 0.00001.
gnomAD v4.1: 2 of 1,612,548 alleles (0.00012%); highest among the groups gnomAD compares: Non-Finnish European, 0.00017%; no homozygotes.

Submission:

Labcorp Genetics (formerly Invitae), Labcorp
Classification: Uncertain significance for Bethlem myopathy 1A. Last evaluated: 2024-10-24. Review status: criteria provided, single submitter. Criteria: Invitae Variant Classification Sherloc (09022015). Collection method: clinical testing. Allele origin: germline.
Comment: This sequence change replaces glutamine, which is neutral and polar, with proline, which is neutral and non-polar, at codon 664 of the COL6A1 protein (p.Gln664Pro). This variant is not present in population databases (gnomAD no frequency). This variant has not been reported in the literature in individuals affected with COL6A1-related conditions. Invitae Evidence Modeling of protein sequence and biophysical properties (such as structural, functional, and spatial information, amino acid conservation, physicochemical variation, residue mobility, and thermodynamic stability) indicates that this missense variant is not expected to disrupt COL6A1 protein function with a negative predictive value of 80%. In summary, the available evidence is currently insufficient to determine the role of this variant in disease. Therefore, it has been classified as a Variant of Uncertain Significance.

NM_001848.3(COL6A1):c.1991A>C (p.Gln664Pro)

Gene: COL6A1 (collagen type VI alpha 1 chain; plus strand). Cytogenetic location: 21q22.3.
Variant type: single nucleotide variant.
Coding change: c.1991A>C on transcript NM_001848.3 (MANE Select); coding-DNA position 1991, A replaced by C.
Protein change: p.Gln664Pro; replaces glutamine 664 with proline.
Molecular consequence: missense variant.
Genome position (GRCh38, 1-based): chr21:46,001,995, A>C. VCF-style: chr21-46001995-A-C. GRCh37 (hg19) VCF-style: chr21-47421909-A-C.
Other names: short protein forms Q664P.
Identifiers: ClinVar variation 2863189 (VCV002863189.3), dbSNP rs2077848605, ClinGen allele CA410535104.
Genomic context (GRCh38, chr21:46,001,995, plus strand): 5'-TCCTGACCCCGGTGCCGGTCCCACAGTTCGAGCCAGGGCAGTCGTACGCGGGTGTGGTGC[A>C]GTACAGCCACAGCCAGATGCAGGAGCACGTGAGCCTGCGCAGCCCCAGCATCCGGAACGT-3'
Protein context (NP_001839.2, residues 654-674): EPGQSYAGVV[Gln664Pro]YSHSQMQEHV